The following is an entry in ClinVar:

ClinVar aggregate classification (germline): Uncertain significance (1 of 4 stars; one submission).

Conditions:
Hereditary cancer-predisposing syndrome. Also called: Neoplastic Syndromes, Hereditary; Tumor predisposition; Hereditary neoplastic syndrome; Hereditary Cancer Syndrome. Identifiers: Orphanet 140162, MedGen C0027672, MeSH D009386, MONDO:0015356.

Submission:

Ambry Genetics
Classification: Uncertain significance for Hereditary cancer-predisposing syndrome. Last evaluated: 2024-05-11. Review status: criteria provided, single submitter. Criteria: Ambry Variant Classification Scheme 2023. Collection method: clinical testing. Allele origin: germline.
Comment: The p.I48S variant (also known as c.143T>G), located in coding exon 2 of the SDHAF2 gene, results from a T to G substitution at nucleotide position 143. The isoleucine at codon 48 is replaced by serine, an amino acid with dissimilar properties. This amino acid position is conserved. In addition, this alteration is predicted to be tolerated by in silico analysis. Based on the available evidence, the clinical significance of this variant remains unclear.

NM_017841.4(SDHAF2):c.143T>G (p.Ile48Ser)

Gene: SDHAF2 (succinate dehydrogenase complex assembly factor 2; plus strand). Cytogenetic location: 11q12.2.
Variant type: single nucleotide variant.
Coding change: c.143T>G on transcript NM_017841.4 (MANE Select); coding-DNA position 143, T replaced by G.
Protein change: p.Ile48Ser; replaces isoleucine 48 with serine.
Molecular consequence: missense variant.
Genome position (GRCh38, 1-based): chr11:61,437,731, T>G. VCF-style: chr11-61437731-T-G. GRCh37 (hg19) VCF-style: chr11-61205203-T-G.
Other names: short protein forms I48S.
Identifiers: ClinVar variation 3316874 (VCV003316874.1).